The following is an entry in ClinVar:

ClinVar aggregate classification (germline): Uncertain significance. Review status: criteria provided, multiple submitters, no conflicts (2 of 4 stars). 4 submissions from 4 submitters: Uncertain significance (4). Last evaluated 2025-11-05.

Conditions:
Hereditary cancer-predisposing syndrome. Also called: Neoplastic Syndromes, Hereditary; Tumor predisposition; Hereditary Cancer Syndrome; Hereditary neoplastic syndrome. Identifiers: Orphanet 140162, MedGen C0027672, MeSH D009386, MONDO:0015356.
Familial adenomatous polyposis 1 (FAP1). Also called: FAMILIAL ADENOMATOUS POLYPOSIS 1, ATTENUATED; POLYPOSIS, ADENOMATOUS INTESTINAL. Identifiers: MedGen C2713442, MONDO:0021056, OMIM 175100. Disease mechanism: loss of function.

Allele frequency attached by ClinVar (database versions not stated): gnomAD exomes below 0.00001; ExAC 0.00001.
gnomAD v4.1: 6 of 1,602,940 alleles (0.00037%); highest among the groups gnomAD compares: Non-Finnish European, 0.00051%; no homozygotes.

Submissions (4):

Ambry Genetics
Classification: Uncertain significance for Hereditary cancer-predisposing syndrome. Last evaluated: 2025-11-05. Review status: criteria provided, single submitter. Criteria: Ambry Variant Classification Scheme 2023. Collection method: clinical testing. Allele origin: germline.

Color Diagnostics, LLC DBA Color Health
Classification: Uncertain significance for Hereditary cancer-predisposing syndrome. Last evaluated: 2023-12-05. Review status: criteria provided, single submitter. Criteria: ACMG Guidelines, 2015. Collection method: clinical testing. Allele origin: germline.
Comment: This missense variant replaces lysine with glutamic acid at codon 2814 of the APC protein. Computational prediction suggests that this variant may not impact protein structure and function (internally defined REVEL score threshold <= 0.5, PMID: 27666373). To our knowledge, functional studies have not been reported for this variant. This variant has not been reported in individuals affected with APC-related disorders in the literature. This variant has been identified in 1/238244 chromosomes in the general population by the Genome Aggregation Database (gnomAD). The available evidence is insufficient to determine the role of this variant in disease conclusively. Therefore, this variant is classified as a Variant of Uncertain Significance.

Labcorp Genetics (formerly Invitae), Labcorp
Classification: Uncertain significance for Familial adenomatous polyposis 1. Last evaluated: 2020-10-27. Review status: criteria provided, single submitter. Criteria: Invitae Variant Classification Sherloc (09022015). Collection method: clinical testing. Allele origin: germline.
Comment: In summary, the available evidence is currently insufficient to determine the role of this variant in disease. Therefore, it has been classified as a Variant of Uncertain Significance. Algorithms developed to predict the effect of missense changes on protein structure and function are either unavailable or do not agree on the potential impact of this missense change (SIFT: "Deleterious"; PolyPhen-2: "Probably Damaging"; Align-GVGD: "Class C0"). This variant has not been reported in the literature in individuals with APC-related conditions. ClinVar contains an entry for this variant (Variation ID: 482457). This variant is present in population databases (rs756826512, ExAC 0.002%). This sequence change replaces lysine with glutamic acid at codon 2814 of the APC protein (p.Lys2814Glu). The lysine residue is highly conserved and there is a small physicochemical difference between lysine and glutamic acid.

Women's Health and Genetics/Laboratory Corporation of America, LabCorp
Classification: Uncertain significance. Last evaluated: 2017-11-20. Review status: criteria provided, single submitter. Criteria: LabCorp Variant Classification Summary - May 2015. Collection method: clinical testing. Allele origin: germline.
Comment: Variant summary: The APC c.8440A>G (p.Lys2814Glu) variant located in the EB-1 binding domain (InterPro) involves the alteration of a conserved nucleotide and 3/4 in silico tools predict a damaging outcome for this variant (SNPsandGO not captured due to low reliability index). However, these predictions have yet to be functionally assessed. This variant was found in 1/233178 control chromosomes (gnomAD) at a frequency of 0.0000043, which does not exceed the estimated maximal expected allele frequency of a pathogenic APC variant (0.0000714). The variant of interest has not, to our knowledge, been reported in affected individuals via publications and/or reputable databases/clinical diagnostic laboratories; nor evaluated for functional impact by in vivo/vitro studies. Because of the absence of clinical information and the lack of functional studies, the variant is classified as a "Variant of Uncertain Significance (VUS)," until additional information becomes available.

NM_000038.6(APC):c.8440A>G (p.Lys2814Glu)

Gene: APC (APC regulator of Wnt signaling pathway; plus strand). Cytogenetic location: 5q22.2.
Variant type: single nucleotide variant.
Coding change: c.8440A>G on transcript NM_000038.6 (MANE Select); coding-DNA position 8440, A replaced by G.
Protein change: p.Lys2814Glu; replaces lysine 2814 with glutamic acid.
Molecular consequence: missense variant.
Genome position (GRCh38, 1-based): chr5:112,844,034, A>G. VCF-style: chr5-112844034-A-G. GRCh37 (hg19) VCF-style: chr5-112179731-A-G.
Other names: c.8440A>G, p.Lys2814Glu (NM_001127510.3, NM_001354895.2); c.8386A>G, p.Lys2796Glu (NM_001127511.3); c.8494A>G, p.Lys2832Glu (NM_001354896.2); c.8470A>G, p.Lys2824Glu (NM_001354897.2); c.8365A>G, p.Lys2789Glu (NM_001354898.2); c.8356A>G, p.Lys2786Glu (NM_001354899.2); c.8317A>G, p.Lys2773Glu (NM_001354900.2); c.8263A>G, p.Lys2755Glu (NM_001354901.2); and 5 more; short protein forms K2814E, K2796E, K2531E, K2688E, K2789E, K2824E, K2786E, K2654E.
Identifiers: ClinVar variation 482457 (VCV000482457.22), dbSNP rs756826512, ClinGen allele CA050833.
Genomic context (GRCh38, chr5:112,844,034, plus strand): 5'-AGCGCAGATAGCACTTCAGCTCGGCCATCTCAGATCCCAACTCCAGTGAATAACAACACA[A>G]AGAAGCGAGATTCCAAAACTGACAGCACAGAATCCAGTGGAACCCAAAGTCCTAAGCGCC-3'
Protein context (NP_000029.2, residues 2804-2824): QIPTPVNNNT[Lys2814Glu]KRDSKTDSTE